The following is an entry in ClinVar:

ClinVar aggregate classification (germline): Pathogenic/Likely pathogenic. Review status: criteria provided, multiple submitters, no conflicts (2 of 4 stars). 2 submissions from 2 submitters: Pathogenic (1); Likely pathogenic (1). Last evaluated 2024-10-07.

Conditions:
FLG-related disorder. Also called: FLG-related disorders; FLG-related condition.

Allele frequency attached by ClinVar (database versions not stated): gnomAD 0.00004 and 0.00007; TOPMed 0.00008.
gnomAD v4.1: 50 of 1,613,874 alleles (0.0031%); highest among the groups gnomAD compares: Non-Finnish European, 0.0042%; no homozygotes.

Submissions (2):

Blueprint Genetics
Classification: Likely pathogenic for FLG-related disorders. Last evaluated: 2024-10-07. Review status: criteria provided, single submitter. Criteria: ACMG Guidelines, 2015. Collection method: clinical testing. Allele origin: germline. Affected: yes. Observed: 4 variant alleles.

GeneDx
Classification: Pathogenic. Last evaluated: 2022-09-28. Review status: criteria provided, single submitter. Criteria: GeneDx Variant Classification Process June 2021. Collection method: clinical testing. Allele origin: germline. Affected: yes.
Comment: Has not been previously published as pathogenic or benign to our knowledge; Nonsense variant in the C-terminus predicted to result in protein truncation, as the last 1834 amino acids are lost, and other loss-of-function variants have been reported downstream in the Human Gene Mutation Database (HGMD); This variant is associated with the following publications: (PMID: 27535533)

NM_002016.2(FLG):c.6682G>T (p.Gly2228Ter)

Genes: CCDST (cervical cancer associated DHX9 suppressive transcript; plus strand), FLG (filaggrin; minus strand). Cytogenetic location: 1q21.3.
Variant type: single nucleotide variant.
Coding change: c.6682G>T on transcript NM_002016.2 (MANE Select); coding-DNA position 6682, G replaced by T.
Protein change: p.Gly2228Ter; replaces glycine 2228 with a stop codon.
Molecular consequence: nonsense.
Genome position (GRCh38, 1-based): chr1:152,308,204, C>A on the plus strand (G>T on the coding strand, the complement: FLG is on the minus strand). VCF-style: chr1-152308204-C-A. GRCh37 (hg19) VCF-style: chr1-152280680-C-A.
Other names: short protein forms G2228*.
Identifiers: ClinVar variation 523873 (VCV000523873.7), dbSNP rs778545248, ClinGen allele CA1105112.
Genomic context (GRCh38, chr1:152,308,204, plus strand): 5'-CACTGTCCTGGCTAACACTGGATCCCCGGGGCCTGCTTGTCCTGGGCCCTGATGATTGTC[C>A]CTGGCCCACCAGTGAGTGTCTAGAGCTGTCGGCCCAAGAGGAAGCTTCATGATGATGCGA-3'